The following is an entry in ClinVar:

ClinVar aggregate classification (germline): Conflicting classifications of pathogenicity. Review status: criteria provided, conflicting classifications (1 of 4 stars). 2 submissions from 2 submitters: Uncertain significance (1); Likely benign (1). Last evaluated 2025-12-09.

Conditions:
Medulloblastoma (MDB). Also called: MEDULLOBLASTOMA PREDISPOSITION SYNDROME; Medulloblastoma, somatic. Identifiers: Orphanet 616, MedGen C0025149, MeSH D008527, MONDO:0007959, OMIM 155255, HP:0002885.
Gorlin syndrome. Also called: Nevoid Basal Cell Carcinoma Syndrome; Basal cell nevus syndrome. Identifiers: Orphanet 377, MedGen C0004779, MONDO:0007187.

Allele frequency attached by ClinVar (database versions not stated): gnomAD 0.00003; TOPMed 0.00003.
gnomAD v4.1: 4 of 1,613,728 alleles (0.00025%); highest among the groups gnomAD compares: African/African-American, 0.0053%; no homozygotes.

Submissions (2):

Labcorp Genetics (formerly Invitae), Labcorp
Classification: Likely benign for Gorlin syndrome; Medulloblastoma. Last evaluated: 2025-12-09. Review status: criteria provided, single submitter. Criteria: Invitae Variant Classification Sherloc (09022015). Collection method: clinical testing. Allele origin: germline.

GeneDx
Classification: Uncertain significance. Last evaluated: 2023-06-28. Review status: criteria provided, single submitter. Criteria: GeneDx Variant Classification Process June 2021. Collection method: clinical testing. Allele origin: germline. Affected: yes.
Comment: Not observed at significant frequency in large population cohorts (gnomAD); In silico analysis supports that this variant does not alter splicing; Has not been previously published as pathogenic or benign to our knowledge

NM_016169.4(SUFU):c.1366-8C>T

Gene: SUFU (SUFU negative regulator of hedgehog signaling; plus strand). Cytogenetic location: 10q24.32.
Variant type: single nucleotide variant.
Coding change: c.1366-8C>T on transcript NM_016169.4 (MANE Select); 8 bases into the intron before coding-DNA position 1366, C replaced by T.
Molecular consequence: intron variant.
Genome position (GRCh38, 1-based): chr10:102,630,058, C>T. VCF-style: chr10-102630058-C-T. GRCh37 (hg19) VCF-style: chr10-104389815-C-T.
Identifiers: ClinVar variation 706937 (VCV000706937.12), dbSNP rs1212706214, ClinGen allele CA595210468.
Genomic context (GRCh38, chr10:102,630,058, plus strand): 5'-CTCTGGAAAGACCACGGTGTATTCTGCTAACCACTCACACTCCTGGTCTGTGCTTGCTCC[C>T]TCCACAGTTCAAACTTCCCAAAGAGTACAGCTGGCCTGAAAAGAAGCTGAAGGTCTCCAT-3'